The following is an entry in ClinVar:

GRCh37/hg19 Xp22.31(chrX:6709092-8135053)x0

Genes: PNPLA4 (patatin like phospholipase domain containing 4; minus strand), PUDP (pseudouridine 5'-phosphatase; minus strand), STS (steroid sulfatase; plus strand), VCX (variable charge X-linked; plus strand). Cytogenetic location: Xp22.31.
Variant type: copy number loss.
Change: copy number 0 of chrX:6,709,092-8,135,053 (1.43 Mb, GRCh37 coordinates, 1-based), cytogenetic band Xp22.31.
Identifiers: ClinVar variation 564765 (VCV000564765.2).

ClinVar aggregate classification (germline): Pathogenic (1 of 4 stars; one submission).

Submission:

Quest Diagnostics Nichols Institute San Juan Capistrano
Classification: Pathogenic. Last evaluated: 2024-02-12. Review status: criteria provided, single submitter. Criteria: ACMG/ClinGen CNV Guidelines, 2019. Collection method: clinical testing. Allele origin: unknown.
Comment: The copy number loss of Xp22.31 involves multiple protein-coding genes, including STS (OMIM 300747). Haploinsufficiency of STS is associated with X-linked ichthyosis (XLI; OMIM 308100; CCID:007950; Gubb 2020, Kent 2008, Myers 2020). There are no similar copy number losses of this region in the general populations of the Database of Genomic Variants. Thus, based on current medical literature and gene content, this copy number variant (CNV) is classified as pathogenic. References: Gubb et al., Hum Mol Genet. 2020 Oct 10;29(17):2872-2881. PMID: 32766777; Kent et al., J Med Genet. 2008 Aug;45(8):519-24. PMID: 18413370; Myers et al., Pediatr Neurol. 2020 Jul;108:113-116. PMID: 32299744